The following is an entry in ClinVar:

NM_025233.7(COASY):c.1076A>C (p.Tyr359Ser)

Gene: COASY (Coenzyme A synthase; plus strand). Cytogenetic location: 17q21.2.
Variant type: single nucleotide variant.
Coding change: c.1076A>C on transcript NM_025233.7 (MANE Select); coding-DNA position 1076, A replaced by C.
Protein change: p.Tyr359Ser; replaces tyrosine 359 with serine.
Molecular consequence: missense variant.
Genome position (GRCh38, 1-based): chr17:42,564,737, A>C. VCF-style: chr17-42564737-A-C. GRCh37 (hg19) VCF-style: chr17-40716755-A-C.
Other names: c.1076A>C, p.Tyr359Ser (NM_001042529.3); c.1163A>C, p.Tyr388Ser (NM_001042532.4); c.1163A>C (NM_001042532.2); short protein forms Y359S, Y388S.
Identifiers: ClinVar variation 1691002 (VCV001691002.3), dbSNP rs755259628, ClinGen allele CA399597076.

ClinVar aggregate classification (germline): Uncertain significance. Review status: criteria provided, multiple submitters, no conflicts (2 of 4 stars). 2 submissions from 2 submitters: Uncertain significance (2). Last evaluated 2025-11-26.

Allele frequency attached by ClinVar (database versions not stated): gnomAD 0.00001.
gnomAD v4.1: 1 of 1,528,138 alleles (0.000065%); highest among the groups gnomAD compares: African/African-American, 0.0014%; no homozygotes.

Submissions (2):

Ambry Genetics
Classification: Uncertain significance. Last evaluated: 2025-11-26. Review status: criteria provided, single submitter. Criteria: Ambry Variant Classification Scheme 2023. Collection method: clinical testing. Allele origin: germline.

Laboratorio de Genetica e Diagnostico Molecular, Hospital Israelita Albert Einstein
Classification: Uncertain significance. Last evaluated: 2021-02-22. Review status: criteria provided, single submitter. Criteria: ACMG Guidelines, 2015. Collection method: clinical testing. Allele origin: germline. Affected: yes.
Comment: ACMG classification criteria: PM2